The following is an entry in ClinVar:

ClinVar aggregate classification (germline): Conflicting classifications of pathogenicity. Review status: criteria provided, conflicting classifications (1 of 4 stars). 8 submissions from 8 submitters: Uncertain significance (1); Likely benign (6). 1 of the submissions does not count toward it. Last evaluated 2026-01-26.

Conditions:
Epidermolysis bullosa simplex, Ogna type (EBS5A). Also called: Pidermolysis bullosa simplex 5A, Ogna type; EPIDERMOLYSIS BULLOSA SIMPLEX 5A, OGNA TYPE. Identifiers: Orphanet 79401, MedGen C0432317, MONDO:0007555, OMIM 131950.
Epidermolysis bullosa simplex with nail dystrophy (EBS5D). Identifiers: MedGen C4225309, MONDO:0014661, OMIM 616487.
Autosomal recessive limb-girdle muscular dystrophy type 2Q (LGMDR17). Also called: MUSCULAR DYSTROPHY, LIMB-GIRDLE, AUTOSOMAL RECESSIVE 17. Identifiers: Orphanet 254361, MedGen C3150989, MONDO:0013390, OMIM 613723.
Epidermolysis bullosa simplex 5C, with pyloric atresia (EBS5C). Also called: Epidermolysis bullosa simplex with pyloric atresia; PLEC1-Related Epidermolysis Bullosa with Pyloric Atresia; PLEC-Related Epidermolysis Bullosa with Pyloric Atresia. Identifiers: Orphanet 158684, MedGen C2677349, MONDO:0012807, OMIM 612138.
Epidermolysis bullosa simplex 5B, with muscular dystrophy (EBS5B). Also called: Epidermolysis bullosa simplex with muscular dystrophy; EPIDERMOLYSIS BULLOSA SIMPLEX AND LIMB-GIRDLE MUSCULAR DYSTROPHY. Identifiers: Orphanet 257, MedGen C2931072, MONDO:0009181, OMIM 226670.
PLEC-related disorder. Also called: PLEC-related disorders; PLEC-related condition.

Allele frequency attached by ClinVar (database versions not stated): gnomAD exomes 0.00023; ExAC 0.00026; ESP Exome Variant Server 0.00031; gnomAD 0.00050 and 0.00051; TOPMed 0.00050; 1000 Genomes Project 30x 0.00078; 1000 Genomes Project 0.00080.
gnomAD v4.1: 241 of 1,612,954 alleles (0.015%); highest among the groups gnomAD compares: African/African-American, 0.13%; no homozygotes.

Submissions (8):

Labcorp Genetics (formerly Invitae), Labcorp
Classification: Likely benign for Autosomal recessive limb-girdle muscular dystrophy type 2Q; Epidermolysis bullosa simplex, Ogna type; Epidermolysis bullosa simplex with nail dystrophy; Epidermolysis bullosa simplex 5C, with pyloric atresia; Epidermolysis bullosa simplex 5B, with muscular dystrophy. Last evaluated: 2026-01-26. Review status: criteria provided, single submitter. Criteria: Invitae Variant Classification Sherloc (09022015). Collection method: clinical testing. Allele origin: germline.

Mayo Clinic Laboratories, Mayo Clinic
Classification: Likely benign. Last evaluated: 2025-03-26. Review status: criteria provided, single submitter. Criteria: ACMG Guidelines, 2015. Collection method: clinical testing. Allele origin: germline. Observed: 1 variant allele.
Comment: BS1, BP4, BP7

Blueprint Genetics
Classification: Likely benign. Last evaluated: 2024-11-26. Review status: criteria provided, single submitter. Criteria: ACMG Guidelines, 2015. Collection method: clinical testing. Allele origin: germline.

Athena Diagnostics
Classification: Likely benign. Last evaluated: 2024-08-01. Review status: criteria provided, single submitter. Criteria: Athena Diagnostics Criteria. Collection method: clinical testing. Allele origin: unknown.

CeGaT Center for Human Genetics Tuebingen
Classification: Likely benign. Last evaluated: 2023-11-01. Review status: criteria provided, single submitter. Criteria: CeGaT Center For Human Genetics Tuebingen Variant Classification Criteria Version 2. Collection method: clinical testing. Allele origin: germline. Affected: yes. Observed: 2 variant alleles.
Comment: PLEC: BP4, BP7

GeneDx
Classification: Likely benign. Last evaluated: 2020-08-04. Review status: criteria provided, single submitter. Criteria: GeneDx Variant Classification Process June 2021. Collection method: clinical testing. Allele origin: germline. Affected: yes.

Eurofins Ntd Llc (ga)
Classification: Uncertain significance. Last evaluated: 2015-08-18. Review status: criteria provided, single submitter. Criteria: EGL Classification Definitions 2015. Collection method: clinical testing. Allele origin: germline. Observed: 1 variant allele, 1 heterozygote.

PreventionGenetics, part of Exact Sciences
Classification: Likely benign for PLEC-related condition. Last evaluated: 2024-08-26. Review status: no assertion criteria provided. Collection method: clinical testing. Allele origin: germline. Not counted in ClinVar's aggregate classification.
Comment: This variant is classified as likely benign based on ACMG/AMP sequence variant interpretation guidelines (Richards et al. 2015 PMID: 25741868, with internal and published modifications).

NM_201384.3(PLEC):c.540C>T (p.Cys180=)

Gene: PLEC (plectin; minus strand). Cytogenetic location: 8q24.3.
Variant type: single nucleotide variant.
Coding change: c.540C>T on transcript NM_201384.3 (MANE Select); coding-DNA position 540, C replaced by T.
Protein change: p.Cys180=; no amino-acid change (cysteine 180 retained).
Molecular consequence: synonymous variant.
Genome position (GRCh38, 1-based): chr8:143,935,910, G>A on the plus strand (C>T on the coding strand, the complement: PLEC is on the minus strand). VCF-style: chr8-143935910-G-A. GRCh37 (hg19) VCF-style: chr8-145010078-G-A.
Other names: p.Cys207=; c.621C>T, p.Cys207= (NM_000445.5); c.498C>T, p.Cys166= (NM_201378.4); c.474C>T, p.Cys158= (NM_201379.3); c.951C>T, p.Cys317= (NM_201380.4); c.444C>T, p.Cys148= (NM_201381.3); c.540C>T, p.Cys180= (NM_201382.4); c.552C>T, p.Cys184= (NM_201383.3).
Identifiers: ClinVar variation 282832 (VCV000282832.45), dbSNP rs189256993, ClinGen allele CA4928410.
Genomic context (GRCh38, chr8:143,935,910, plus strand): 5'-GTGCCGGTGGATGATGGCATTGAAGAGGCGGCCGTCTCTCCAGCTGGAGGTGAAGTTGTC[G>A]CATCGCAGGCCCTGGTACCCCTCCACCATTCGCTGCGACCACAGCAGCAGCTTCTCCTTG-3'
Protein context (NP_958786.1, residues 170-190): RMVEGYQGLR[Cys180=]DNFTSSWRDG